The following is an entry in ClinVar:

NM_003458.4(BSN):c.7469del (p.Leu2490fs)

Gene: BSN (bassoon presynaptic cytomatrix protein; plus strand). Cytogenetic location: 3p21.31.
Variant type: Deletion.
Coding change: c.7469del on transcript NM_003458.4 (MANE Select); coding-DNA position 7469, one base deleted (T; older notation c.7469delT).
Protein change: p.Leu2490fs; shifts the reading frame from leucine 2490.
Molecular consequence: frameshift variant.
Genome position (GRCh38, 1-based): chr3:49,657,025, T deleted. VCF-style (leftmost placement, unchanged base first): chr3-49657024-CT-C. GRCh37 (hg19) VCF-style: chr3-49694457-CT-C.
Other names: short protein forms L2490fs.
Identifiers: ClinVar variation 4686937 (VCV004686937.1).

ClinVar aggregate classification (germline): Uncertain significance (1 of 4 stars; one submission).

Submission:

GeneDx
Classification: Uncertain significance. Last evaluated: 2025-07-24. Review status: criteria provided, single submitter. Criteria: GeneDx Variant Classification Process June 2021. Collection method: clinical testing. Allele origin: germline. Affected: yes.
Comment: Not observed at significant frequency in large population cohorts (gnomAD); Frameshift variant predicted to result in protein truncation or nonsense mediated decay in a gene or region of a gene for which loss of function is not a well-established mechanism of disease; Has not been previously published as pathogenic or benign to our knowledge